The following is an entry in ClinVar:

ClinVar aggregate classification (germline): Conflicting classifications of pathogenicity. Review status: criteria provided, conflicting classifications (1 of 4 stars). 2 submissions from 2 submitters: Uncertain significance (1); Likely benign (1). Last evaluated 2022-09-10.

Conditions:
POLD1-related polyposis and colorectal cancer syndrome (CRCS10). Also called: Colorectal cancer 10; COLORECTAL CANCER, SUSCEPTIBILITY TO, ON CHROMOSOME 19q; Colorectal cancer, susceptibility to, 10. Identifiers: Orphanet 220460, MedGen C2675481, MONDO:0012953, OMIM 612591.

Allele frequency attached by ClinVar (database versions not stated): gnomAD 0.00001; gnomAD exomes below 0.00001.
gnomAD v4.1: 5 of 1,571,408 alleles (0.00032%); highest among the groups gnomAD compares: Non-Finnish European, 0.00043%; no homozygotes.

Submissions (2):

Labcorp Genetics (formerly Invitae), Labcorp
Classification: Likely benign for POLD1-related polyposis and colorectal cancer syndrome. Last evaluated: 2022-09-10. Review status: criteria provided, single submitter. Criteria: Invitae Variant Classification Sherloc (09022015). Collection method: clinical testing. Allele origin: germline.

GeneDx
Classification: Uncertain significance. Last evaluated: 2019-07-24. Review status: criteria provided, single submitter. Criteria: GeneDx Variant Classification Process June 2021. Collection method: clinical testing. Allele origin: germline. Affected: yes.
Comment: Not observed at a significant frequency in large population cohorts (Lek 2016); In silico analysis, which includes splice predictors and evolutionary conservation, supports a deleterious effect; Has not been previously published as pathogenic or benign to our knowledge

NM_002691.4(POLD1):c.3219-11C>G

Gene: POLD1 (DNA polymerase delta 1, catalytic subunit; plus strand). Cytogenetic location: 19q13.33.
Variant type: single nucleotide variant.
Coding change: c.3219-11C>G on transcript NM_002691.4 (MANE Select); 11 bases into the intron before coding-DNA position 3219, C replaced by G.
Molecular consequence: intron variant.
Genome position (GRCh38, 1-based): chr19:50,417,831, C>G. VCF-style: chr19-50417831-C-G. GRCh37 (hg19) VCF-style: chr19-50921088-C-G.
Other names: c.3219-11C>G (NM_001256849.1); c.3297-11C>G (NM_001308632.1).
Identifiers: ClinVar variation 1196332 (VCV001196332.10), dbSNP rs983274157, ClinGen allele CA633685712.
Genomic context (GRCh38, chr19:50,417,831, plus strand): 5'-CCCCCACCCCTCTCCCAGGCTGGGCACTGGGCCTTGGCTGGTCCTGACCCTGCCCCTGCC[C>G]CCACCCGCAGCCGGGACTGCCCCATCTTCTACATGCGCAAGAAGGTGCGGAAGGACCTGG-3'